The following is an entry in ClinVar:

ClinVar aggregate classification (germline): Uncertain significance (1 of 4 stars; one submission).

Allele frequency attached by ClinVar (database versions not stated): ExAC 0.00003; gnomAD exomes 0.00004; TOPMed 0.00007; gnomAD 0.00008.
gnomAD v4.1: 65 of 1,492,326 alleles (0.0044%); highest among the groups gnomAD compares: Admixed American, 0.037%; no homozygotes.

Submission:

Labcorp Genetics (formerly Invitae), Labcorp
Classification: Uncertain significance. Last evaluated: 2022-06-08. Review status: criteria provided, single submitter. Criteria: Invitae Variant Classification Sherloc (09022015). Collection method: clinical testing. Allele origin: germline.
Comment: In summary, the available evidence is currently insufficient to determine the role of this variant in disease. Therefore, it has been classified as a Variant of Uncertain Significance. Variants that disrupt the consensus splice site are a relatively common cause of aberrant splicing (PMID: 17576681, 9536098). Algorithms developed to predict the effect of sequence changes on RNA splicing suggest that this variant is not likely to affect RNA splicing. This variant has not been reported in the literature in individuals affected with RPS6KC1-related conditions. This variant is present in population databases (rs774844476, gnomAD 0.04%). This sequence change falls in intron 3 of the RPS6KC1 gene. It does not directly change the encoded amino acid sequence of the RPS6KC1 protein. It affects a nucleotide within the consensus splice site.

Literature cited by the submitters: PubMed 17576681; PubMed 9536098.

NM_012424.6(RPS6KC1):c.262+6T>C

Gene: RPS6KC1 (ribosomal protein S6 kinase C1; plus strand). Cytogenetic location: 1q32.3.
Variant type: single nucleotide variant.
Coding change: c.262+6T>C on transcript NM_012424.6 (MANE Select); 6 bases into the intron after coding-DNA position 262, T replaced by C.
Molecular consequence: intron variant.
Genome position (GRCh38, 1-based): chr1:213,077,822, T>C. VCF-style: chr1-213077822-T-C. GRCh37 (hg19) VCF-style: chr1-213251164-T-C.
Other names: c.-481+6T>C (NM_001349651.2); c.-1024+6T>C (NM_001349660.2); c.-360+6T>C (NM_001349650.2, NM_001349654.2, NM_001349653.2 and 1 more transcripts); c.-1031+6T>C (NM_001349669.2, NM_001349668.2); c.-282+6T>C (NM_001349649.2, NM_001287219.3); c.-953+6T>C (NM_001349666.2, NM_001287220.3); c.-860+6T>C (NM_001349664.2, NM_001349670.2); c.-267+6T>C (NM_001349658.2); and 13 more.
Identifiers: ClinVar variation 2183210 (VCV002183210.4), dbSNP rs774844476, ClinGen allele CA1387094.